The following is an entry in ClinVar:

ClinVar aggregate classification (germline): Uncertain significance. Review status: criteria provided, multiple submitters, no conflicts (2 of 4 stars). 2 submissions from 2 submitters: Uncertain significance (2). Last evaluated 2024-05-13.

Allele frequency attached by ClinVar (database versions not stated): gnomAD exomes below 0.00001.
gnomAD v4.1: 1 of 1,613,774 alleles (0.000062%); highest among the groups gnomAD compares: Non-Finnish European, 0.000085%; no homozygotes.

Submissions (2):

Ambry Genetics
Classification: Uncertain significance. Last evaluated: 2024-05-13. Review status: criteria provided, single submitter. Criteria: Ambry Variant Classification Scheme 2023. Collection method: clinical testing. Allele origin: germline.
Comment: The p.P497S variant (also known as c.1489C>T), located in coding exon 11 of the RINT1 gene, results from a C to T substitution at nucleotide position 1489. The proline at codon 497 is replaced by serine, an amino acid with similar properties. This amino acid position is highly conserved in available vertebrate species. In addition, this alteration is predicted to be tolerated by in silico analysis. The evidence for this gene-disease relationship is limited; therefore, the clinical significance of this alteration is unclear.

Labcorp Genetics (formerly Invitae), Labcorp
Classification: Uncertain significance. Last evaluated: 2022-08-24. Review status: criteria provided, single submitter. Criteria: Invitae Variant Classification Sherloc (09022015). Collection method: clinical testing. Allele origin: germline.
Comment: In summary, the available evidence is currently insufficient to determine the role of this variant in disease. Therefore, it has been classified as a Variant of Uncertain Significance. Algorithms developed to predict the effect of sequence changes on RNA splicing suggest that this variant may create or strengthen a splice site. Algorithms developed to predict the effect of missense changes on protein structure and function are either unavailable or do not agree on the potential impact of this missense change (SIFT: "Tolerated"; PolyPhen-2: "Possibly Damaging"; Align-GVGD: "Class C0"). ClinVar contains an entry for this variant (Variation ID: 650020). This variant has not been reported in the literature in individuals affected with RINT1-related conditions. This variant is not present in population databases (gnomAD no frequency). This sequence change replaces proline, which is neutral and non-polar, with serine, which is neutral and polar, at codon 497 of the RINT1 protein (p.Pro497Ser).

NM_021930.6(RINT1):c.1489C>T (p.Pro497Ser)

Gene: RINT1 (RAD50 interactor 1; plus strand). Cytogenetic location: 7q22.3.
Variant type: single nucleotide variant.
Coding change: c.1489C>T on transcript NM_021930.6 (MANE Select); coding-DNA position 1489, C replaced by T.
Protein change: p.Pro497Ser; replaces proline 497 with serine.
Molecular consequence: missense variant.
Genome position (GRCh38, 1-based): chr7:105,555,045, C>T. VCF-style: chr7-105555045-C-T. GRCh37 (hg19) VCF-style: chr7-105195492-C-T.
Other names: c.466C>T, p.Pro156Ser (NM_001346600.2, NM_001346603.2); c.565C>T, p.Pro189Ser (NM_001346601.2); c.1255C>T, p.Pro419Ser (NM_001346599.2); short protein forms P419S, P189S, P497S, P156S.
Identifiers: ClinVar variation 650020 (VCV000650020.13), dbSNP rs1562853764, ClinGen allele CA368811228.